The following is an entry in ClinVar:

ClinVar aggregate classification (germline): Uncertain significance (1 of 4 stars; one submission).

Conditions:
Familial pancreatic carcinoma. Identifiers: Orphanet 1333, MedGen C2931038, MONDO:0015278, OMIM 260350.
Myhre syndrome (MYHRS). Also called: LARYNGOTRACHEAL STENOSIS, ARTHROPATHY, PROGNATHISM, AND SHORT STATURE; LAPS SYNDROME. Identifiers: Orphanet 2588, MedGen C0796081, MONDO:0007688, OMIM 139210.
Juvenile polyposis syndrome (JPS). Identifiers: Orphanet 2929, MedGen C0345893, MONDO:0017380, OMIM 174900.
Juvenile polyposis/hereditary hemorrhagic telangiectasia syndrome (JPHT). Also called: POLYPOSIS, GENERALIZED JUVENILE, WITH PULMONARY ARTERIOVENOUS MALFORMATION; TELANGIECTASIA, HEREDITARY HEMORRHAGIC, WITH JUVENILE POLYPOSIS COLI; JP/HHT SYNDROME; JUVENILE POLYPOSIS WITH HEREDITARY HEMORRHAGIC TELANGIECTASIA; Juvenile Polyposis Syndrome / Hereditary Hemorrhagic Telangiectasia (JPS/HHT). Identifiers: Orphanet 2929, MedGen C1832942, MONDO:0008278, OMIM 175050.

Submission:

Juno Genomics, Hangzhou Juno Genomics, Inc
Classification: Uncertain significance for Juvenile polyposis/hereditary hemorrhagic telangiectasia syndrome; Myhre syndrome; Familial pancreatic carcinoma; Juvenile polyposis syndrome. Review status: criteria provided, single submitter. Criteria: ACMG Guidelines, 2015. Collection method: clinical testing. Allele origin: germline.
Comment: Absent from controls (or at extremely low frequency if recessive) in Genome Aggregation Database.;Multiple lines of computational evidence support a deleterious effect on the gene or gene product.

NM_005359.6(SMAD4):c.249+5G>C

Gene: SMAD4 (SMAD family member 4; plus strand). Cytogenetic location: 18q21.2.
Variant type: single nucleotide variant.
Coding change: c.249+5G>C on transcript NM_005359.6 (MANE Select); 5 bases into the intron after coding-DNA position 249, G replaced by C.
Molecular consequence: intron variant.
Genome position (GRCh38, 1-based): chr18:51,047,300, G>C. VCF-style: chr18-51047300-G-C. GRCh37 (hg19) VCF-style: chr18-48573670-G-C.
Other names: c.249+5G>C (NM_001407042.1, NM_001407041.1, NM_001407043.1).
Identifiers: ClinVar variation 5005892 (VCV005005892.2).